The following is an entry in ClinVar:

ClinVar aggregate classification (germline): Pathogenic (1 of 4 stars; one submission).

Conditions:
DICER1-related tumor predisposition. Also called: DICER1 syndrome; DICER1-related pleuropulmonary blastoma cancer predisposition syndrome. Identifiers: Orphanet 284343, MedGen C3839822, MONDO:0100216.

Submission:

Myriad Genetics, Inc.
Classification: Pathogenic for DICER1-related tumor predisposition. Last evaluated: 2026-06-30. Review status: criteria provided, single submitter. Criteria: Myriad Autosomal Dominant, Autosomal Recessive and X-Linked Classification Criteria (2023). Collection method: clinical testing. Allele origin: unknown.
Comment: This variant is considered pathogenic. This variant creates a frameshift predicted to result in premature protein truncation.

NM_177438.3(DICER1):c.4689_4690delinsC (p.Glu1564fs)

Gene: DICER1 (dicer 1, ribonuclease III; minus strand). Cytogenetic location: 14q32.13.
Variant type: Indel.
Coding change: c.4689_4690delinsC on transcript NM_177438.3 (MANE Select); coding-DNA positions 4689 to 4690, GG replaced by C.
Protein change: p.Glu1564fs; shifts the reading frame from glutamic acid 1564.
Molecular consequence: frameshift variant. On other transcripts: non-coding transcript variant (6).
Genome position (GRCh38, 1-based): chr14:95,096,230-95,096,231, CC replaced by G on the plus strand (GG replaced by C on the coding strand, the reverse complement: DICER1 is on the minus strand). VCF-style: chr14-95096230-CC-G. GRCh37 (hg19) VCF-style: chr14-95562567-CC-G.
Other names: c.4689_4690delinsC, p.Glu1564fs (NM_001395680.1, NM_001395682.1, NM_001395683.1 and 12 more transcripts); c.4407_4408delinsC, p.Glu1470fs (NM_001395686.1); c.4284_4285delinsC, p.Glu1429fs (NM_001395687.1, NM_001395688.1, NM_001395689.1 and 2 more transcripts); c.4122_4123delinsC, p.Glu1375fs (NM_001395691.1); c.3006_3007delinsC, p.Glu1003fs (NM_001395697.1); short protein forms E1003fs, E1375fs, E1429fs, E1470fs, E1564fs.
Identifiers: ClinVar variation 4876039 (VCV004876039.1).